The following is an entry in ClinVar:

ClinVar aggregate classification (germline): Likely pathogenic (1 of 4 stars; one submission).

Conditions:
Fanconi anemia complementation group D2. Also called: FANCD2-Related Fanconi Anemia; FANCONI PANCYTOPENIA, TYPE 4; FANCONI ANEMIA, COMPLEMENTATION GROUP D. Identifiers: Orphanet 84, MedGen C3160738, MONDO:0009214, OMIM 227646.

Submission:

Fulgent Genetics
Classification: Likely pathogenic for Fanconi anemia complementation group D2. Last evaluated: 2021-06-30. Review status: criteria provided, single submitter. Criteria: ACMG Guidelines, 2015. Collection method: clinical testing. Allele origin: unknown.
Comment: This variant has been detected in individual(s) who were sent for testing of Renasight - kidney gene panel.

NM_001018115.3(FANCD2):c.302_303del (p.Glu101fs)

Genes: FANCD2 (FA complementation group D2; plus strand), LOC107303338 (3p25 FANCD2 Alu-mediated recombination region; plus strand). Cytogenetic location: 3p25.3.
Variant type: Deletion.
Coding change: c.302_303del on transcript NM_001018115.3 (MANE Select); coding-DNA positions 302 to 303, 2 bases deleted (AG; older notation c.302_303delAG).
Protein change: p.Glu101fs; shifts the reading frame from glutamic acid 101.
Molecular consequence: frameshift variant.
Genome position (GRCh38, 1-based): chr3:10,034,723-10,034,724, AG deleted; deleting any 2 consecutive bases within chr3:10,034,722-10,034,724 gives the same sequence; the c. name uses the placement nearest the transcript's 3' end. VCF-style (leftmost placement, unchanged base first): chr3-10034721-GGA-G. GRCh37 (hg19) VCF-style: chr3-10076405-GGA-G.
Other names: c.302_303del, p.Glu101fs (NM_001319984.2, NM_001374253.1, NM_001374254.1 and 2 more transcripts); short protein forms E101fs.
Identifiers: ClinVar variation 1179043 (VCV001179043.2), dbSNP rs2124975164, ClinGen allele CA2499216330.
Genomic context (GRCh38, chr3:10,034,721, plus strand): 5'-TTTTATTCTTTTTTATTTTTTAAATCTCCTTAAGATAATAGAAGAATTTGTTAGTGGCCT[GGA>G]GTCTTACATTGAGGATGAAGACAGTTTCAGGAACTGCCTTTTGTCTTGTGAGCGTCTGCA-3'